The following is an entry in ClinVar:

NM_000059.4(BRCA2):c.10027G>A (p.Glu3343Lys)

Gene: BRCA2 (BRCA2 DNA repair associated; plus strand). Cytogenetic location: 13q13.1.
Variant type: single nucleotide variant.
Coding change: c.10027G>A on transcript NM_000059.4 (MANE Select); coding-DNA position 10027, G replaced by A.
Protein change: p.Glu3343Lys; replaces glutamic acid 3343 with lysine.
Molecular consequence: missense variant. On other transcripts: non-coding transcript variant (1).
Genome position (GRCh38, 1-based): chr13:32,398,540, G>A. VCF-style: chr13-32398540-G-A. GRCh37 (hg19) VCF-style: chr13-32972677-G-A.
Other names: c.9931G>A, p.Glu3311Lys (NM_001406719.1); c.9976G>A, p.Glu3326Lys (NM_001406720.1); c.5095G>A, p.Glu1699Lys (NM_001406721.1); c.3610G>A, p.Glu1204Lys (NM_001406722.1); c.10027G>A, p.Glu3343Lys (NM_001432077.1); short protein forms E1699K, E3326K, E1204K, E3311K, E3343K.
Identifiers: ClinVar variation 3721281 (VCV003721281.2).

ClinVar aggregate classification (germline): Uncertain significance (1 of 4 stars; one submission).

Conditions:
Hereditary breast ovarian cancer syndrome. Also called: Breast and ovarian cancer; BRCA1- and BRCA2-Associated Hereditary Breast and Ovarian Cancer; Hereditary breast and/or ovarian cancer syndrome; Hereditary breast and ovarian cancer; Hereditary breast and ovarian cancer syndrome (HBOC); Hereditary breast and ovarian cancer syndrome. Identifiers: Orphanet 145, MedGen C0677776, MeSH D061325, MONDO:0003582. Disease mechanism: loss of function.

Submission:

Labcorp Genetics (formerly Invitae), Labcorp
Classification: Uncertain significance for Hereditary breast ovarian cancer syndrome. Last evaluated: 2024-12-28. Review status: criteria provided, single submitter. Criteria: Invitae Variant Classification Sherloc (09022015). Collection method: clinical testing. Allele origin: germline.
Comment: This sequence change replaces glutamic acid, which is acidic and polar, with lysine, which is basic and polar, at codon 3343 of the BRCA2 protein (p.Glu3343Lys). This variant is not present in population databases (gnomAD no frequency). This missense change has been observed in individual(s) with breast cancer (PMID: 27062684). Invitae Evidence Modeling of protein sequence and biophysical properties (such as structural, functional, and spatial information, amino acid conservation, physicochemical variation, residue mobility, and thermodynamic stability) indicates that this missense variant is not expected to disrupt BRCA2 protein function with a negative predictive value of 95%. In summary, the available evidence is currently insufficient to determine the role of this variant in disease. Therefore, it has been classified as a Variant of Uncertain Significance.

Literature cited by the submitters: PubMed 27062684.